The following is an entry in ClinVar:

NM_004183.4(BEST1):c.74G>A (p.Arg25Gln)

Gene: BEST1 (bestrophin 1; plus strand). Cytogenetic location: 11q12.3.
Variant type: single nucleotide variant.
Coding change: c.74G>A on transcript NM_004183.4 (MANE Select); coding-DNA position 74, G replaced by A.
Protein change: p.Arg25Gln; replaces arginine 25 with glutamine.
Molecular consequence: missense variant. On other transcripts: non-coding transcript variant (1), intron variant (6).
Genome position (GRCh38, 1-based): chr11:61,951,880, G>A. VCF-style: chr11-61951880-G-A. GRCh37 (hg19) VCF-style: chr11-61719352-G-A.
Other names: c.74G>A, p.Arg25Gln (NM_001363592.2, NM_001440571.1, NM_001440572.1 and 1 more transcripts); c.-29+1453G>A (NM_001139443.3, NM_001300787.2, NM_001440574.1 and 3 more transcripts); short protein forms R25Q.
Identifiers: ClinVar variation 99752 (VCV000099752.11), dbSNP rs281865215, ClinGen allele CA227818.

ClinVar aggregate classification (germline): Pathogenic/Likely pathogenic. Review status: criteria provided, multiple submitters, no conflicts (2 of 4 stars). 5 submissions from 5 submitters: Pathogenic (2); Likely pathogenic (1). 2 of the submissions do not count toward it. Last evaluated 2024-10-23.

Conditions:
Retinal dystrophy. Also called: Inherited retinal dystrophy. Identifiers: Orphanet 71862, MedGen C0854723, MeSH D058499, MONDO:0019118, HP:0000556.
Autosomal recessive bestrophinopathy. Also called: Autosomal Recessive Bestrophinopathy (ARB). Identifiers: Orphanet 139455, MedGen C3888198, MONDO:0012733, OMIM 611809.
Vitelliform macular dystrophy 2. Also called: Best Macular Dystrophy; Best vitelliform macular dystrophy, multifocal; MACULAR DEGENERATION, POLYMORPHIC VITELLINE; VITELLIFORM MACULAR DYSTROPHY, EARLY-ONSET; VITELLIFORM MACULAR DYSTROPHY, JUVENILE-ONSET; Best Vitelliform Macular Dystrophy (BVMD). Identifiers: Orphanet 1243, MedGen C2745945, MONDO:0007931, OMIM 153700.

Allele frequency attached by ClinVar (database versions not stated): gnomAD exomes below 0.00001; gnomAD 0.00001; TOPMed 0.00001.
gnomAD v4.1: 5 of 1,613,526 alleles (0.00031%); highest among the groups gnomAD compares: African/African-American, 0.0013%; no homozygotes.

Submissions (5):

Labcorp Genetics (formerly Invitae), Labcorp
Classification: Pathogenic. Last evaluated: 2024-10-23. Review status: criteria provided, single submitter. Criteria: Invitae Variant Classification Sherloc (09022015). Collection method: clinical testing. Allele origin: germline.
Comment: This sequence change replaces arginine, which is basic and polar, with glutamine, which is neutral and polar, at codon 25 of the BEST1 protein (p.Arg25Gln). This variant is not present in population databases (gnomAD no frequency). This missense change has been observed in individual(s) with autosomal dominant BEST disease and autosomal recessive bestrophinopathy (PMID: 9700209, 23290749, 31570112, 31814694). In at least one individual the data is consistent with being in trans (on the opposite chromosome) from a pathogenic variant. ClinVar contains an entry for this variant (Variation ID: 99752). Invitae Evidence Modeling of protein sequence and biophysical properties (such as structural, functional, and spatial information, amino acid conservation, physicochemical variation, residue mobility, and thermodynamic stability) indicates that this missense variant is expected to disrupt BEST1 protein function with a positive predictive value of 95%. Experimental studies have shown that this missense change affects BEST1 function (PMID: 19372599). This variant disrupts the p.Arg25 amino acid residue in BEST1. Other variant(s) that disrupt this residue have been determined to be pathogenic (PMID: 23213274, 28687848). This suggests that this residue is clinically significant, and that variants that disrupt this residue are likely to be disease-causing. For these reasons, this variant has been classified as Pathogenic.

3billion
Classification: Pathogenic for Autosomal recessive bestrophinopathy. Last evaluated: 2023-02-23. Review status: criteria provided, single submitter. Criteria: ACMG Guidelines, 2015. Collection method: clinical testing. Allele origin: unknown. Affected: yes.
Comment: The variant is not observed in the gnomAD v2.1.1 dataset. Missense changes are a common disease-causing mechanism. In silico tool predictions suggest damaging effect of the variant on gene or gene product (REVEL: 0.77; 3Cnet: 0.78). Same nucleotide change resulting in same amino acid change has been previously reported as pathogenic/likely pathogenic with strong evidence (ClinVar ID: VCV000099752). A different missense change at the same codon (p.Arg25Trp) has been reported as pathogenic/likely pathogenic with strong evidence (ClinVar ID: VCV000099751). Therefore, this variant is classified as Pathogenic according to the recommendation of ACMG/AMP guideline.

Institute of Human Genetics, Univ. Regensburg, Univ. Regensburg
Classification: Likely pathogenic for Retinal dystrophy. Last evaluated: 2017-01-01. Review status: criteria provided, single submitter. Criteria: ACMG Guidelines, 2015. Collection method: clinical testing. Allele origin: germline. Affected: yes.

Sharon lab, Hadassah-Hebrew University Medical Center
Classification: Pathogenic for Best disease. Last evaluated: 2019-06-23. Review status: no assertion criteria provided. Collection method: research. Allele origin: inherited. Affected: yes. Not counted in ClinVar's aggregate classification.

Retina International
No classification provided. Review status: no classification provided. Collection method: not provided. Allele origin: not provided. Not counted in ClinVar's aggregate classification.

Literature cited by the submitters: PubMed 9700209 (cited by Labcorp Genetics (formerly Invitae), Labcorp and Institute of Human Genetics, Univ. Regensburg, Univ. Regensburg); PubMed 23290749 (cited by Labcorp Genetics (formerly Invitae), Labcorp and Institute of Human Genetics, Univ. Regensburg, Univ. Regensburg); PubMed 31570112 (cited by Labcorp Genetics (formerly Invitae), Labcorp and Institute of Human Genetics, Univ. Regensburg, Univ. Regensburg); PubMed 31814694 (cited by Labcorp Genetics (formerly Invitae), Labcorp and Institute of Human Genetics, Univ. Regensburg, Univ. Regensburg); PubMed 19372599 (cited by Labcorp Genetics (formerly Invitae), Labcorp); PubMed 23213274 (cited by Labcorp Genetics (formerly Invitae), Labcorp); PubMed 28687848 (cited by Labcorp Genetics (formerly Invitae), Labcorp); PubMed 31456290 (cited by Institute of Human Genetics, Univ. Regensburg, Univ. Regensburg); PubMed 34426522 (cited by Institute of Human Genetics, Univ. Regensburg, Univ. Regensburg).